The following is an entry in ClinVar:

ClinVar aggregate classification (germline): Uncertain significance. Review status: criteria provided, multiple submitters, no conflicts (2 of 4 stars). 2 submissions from 2 submitters: Uncertain significance (2). Last evaluated 2022-08-23.

Conditions:
Oocyte/zygote/embryo maturation arrest 17 (OZEMA17). Identifiers: MedGen C5830418, MONDO:0957220, OMIM 620319.

Allele frequency attached by ClinVar (database versions not stated): gnomAD exomes 0.00002 and 0.00009; ExAC 0.00022; gnomAD 0.00034 and 0.00036; TOPMed 0.00034; ESP Exome Variant Server 0.00044; 1000 Genomes Project 0.00060; 1000 Genomes Project 30x 0.00062.
gnomAD v4.1: 87 of 1,551,616 alleles (0.0056%); highest among the groups gnomAD compares: African/African-American, 0.1%; no homozygotes.

Submissions (2):

Labcorp Genetics (formerly Invitae), Labcorp
Classification: Uncertain significance. Last evaluated: 2022-08-23. Review status: criteria provided, single submitter. Criteria: Invitae Variant Classification Sherloc (09022015). Collection method: clinical testing. Allele origin: germline.
Comment: This sequence change replaces aspartic acid, which is acidic and polar, with glutamic acid, which is acidic and polar, at codon 502 of the KPNA7 protein (p.Asp502Glu). This variant is present in population databases (rs374639225, gnomAD 0.1%). This variant has not been reported in the literature in individuals affected with KPNA7-related conditions. ClinVar contains an entry for this variant (Variation ID: 665529). Algorithms developed to predict the effect of missense changes on protein structure and function output the following: SIFT: "Tolerated"; PolyPhen-2: "Benign"; Align-GVGD: "Class C0". The glutamic acid amino acid residue is found in multiple mammalian species, which suggests that this missense change does not adversely affect protein function. In summary, the available evidence is currently insufficient to determine the role of this variant in disease. Therefore, it has been classified as a Variant of Uncertain Significance.

Revvity Omics, Revvity
Classification: Uncertain significance for Oocyte/zygote/embryo maturation arrest 17. Last evaluated: 2019-01-25. Review status: criteria provided, single submitter. Criteria: ACMG Guidelines, 2015. Collection method: clinical testing. Allele origin: germline.

NM_001145715.3(KPNA7):c.1506C>A (p.Asp502Glu)

Gene: KPNA7 (karyopherin subunit alpha 7; minus strand). Cytogenetic location: 7q22.1.
Variant type: single nucleotide variant.
Coding change: c.1506C>A on transcript NM_001145715.3 (MANE Select); coding-DNA position 1506, C replaced by A.
Protein change: p.Asp502Glu; replaces aspartic acid 502 with glutamic acid.
Molecular consequence: missense variant.
Genome position (GRCh38, 1-based): chr7:99,173,753, G>T on the plus strand (C>A on the coding strand, the complement: KPNA7 is on the minus strand). VCF-style: chr7-99173753-G-T. GRCh37 (hg19) VCF-style: chr7-98771376-G-T.
Other names: c.1506C>A (NM_001145715.2); short protein forms D502E.
Identifiers: ClinVar variation 665529 (VCV000665529.8), dbSNP rs374639225, ClinGen allele CA4363083.